The following is an entry in ClinVar:

NC_000009.11:g.(?_138585443)_(138606586_?)dup

Genes: KCNT1 (potassium sodium-activated channel subfamily T member 1; plus strand), SOHLH1 (spermatogenesis and oogenesis specific basic helix-loop-helix 1; minus strand). Cytogenetic location: 9q34.3.
Variant type: Duplication.
Identifiers: ClinVar variation 1412257 (VCV001412257.6).

ClinVar aggregate classification (germline): Uncertain significance (1 of 4 stars; one submission).

Conditions:
Developmental and epileptic encephalopathy, 14 (DEE14). Also called: Early infantile epileptic encephalopathy 14. Identifiers: Orphanet 293181, MedGen C3554195, MONDO:0013989, OMIM 614959.
Autosomal dominant nocturnal frontal lobe epilepsy 5. Also called: KCNT1-Related Epilepsy; CILIARY DYSKINESIA, PRIMARY, 28, WITH SITUS INVERSUS; Epilepsy, nocturnal frontal lobe, 5; CILIARY DYSKINESIA, PRIMARY, 28, WITHOUT SITUS INVERSUS. Identifiers: Orphanet 98784, MedGen C3554306, MONDO:0014002, OMIM 615005.

Submission:

Labcorp Genetics (formerly Invitae), Labcorp
Classification: Uncertain significance for Autosomal dominant nocturnal frontal lobe epilepsy 5; Developmental and epileptic encephalopathy, 14. Last evaluated: 2022-10-08. Review status: criteria provided, single submitter. Criteria: Invitae Variant Classification Sherloc (09022015). Collection method: clinical testing. Allele origin: germline.
Comment: This variant results in a copy number gain of the genomic region encompassing exon(s) 1-2 of the KCNT1 gene. This region includes the initiator codon of the gene. This copy number gain extends beyond the assayed region for this gene and therefore may encompass additional genes. As the precise location of this event is unknown, it may be in tandem or it may be located elsewhere in the genome. This variant has not been reported in the literature in individuals affected with KCNT1-related conditions. A similar copy number variant has been observed in at least one individual who was not affected with KCNT1-related conditions (Invitae). In summary, the available evidence is currently insufficient to determine the role of this variant in disease. Therefore, it has been classified as a Variant of Uncertain Significance.